The following is an entry in ClinVar:

NM_000059.4(BRCA2):c.9649-5A>G

Gene: BRCA2 (BRCA2 DNA repair associated; plus strand). Cytogenetic location: 13q13.1.
Variant type: single nucleotide variant.
Coding change: c.9649-5A>G on transcript NM_000059.4 (MANE Select); 5 bases into the intron before coding-DNA position 9649, A replaced by G.
Molecular consequence: intron variant.
Genome position (GRCh38, 1-based): chr13:32,398,157, A>G. VCF-style: chr13-32398157-A-G. GRCh37 (hg19) VCF-style: chr13-32972294-A-G.
Identifiers: ClinVar variation 385769 (VCV000385769.13), dbSNP rs1057522325, ClinGen allele CA16606458.

ClinVar aggregate classification (germline): Conflicting classifications of pathogenicity. Review status: criteria provided, conflicting classifications (1 of 4 stars). 5 submissions from 5 submitters: Uncertain significance (1); Likely benign (4). Last evaluated 2025-05-18.

Conditions:
Hereditary cancer-predisposing syndrome. Also called: Hereditary Cancer Syndrome; Hereditary neoplastic syndrome; Neoplastic Syndromes, Hereditary; Tumor predisposition. Identifiers: Orphanet 140162, MedGen C0027672, MeSH D009386, MONDO:0015356.
Hereditary breast ovarian cancer syndrome. Also called: Hereditary breast and ovarian cancer syndrome; Hereditary breast and ovarian cancer; Breast and ovarian cancer; BRCA1- and BRCA2-Associated Hereditary Breast and Ovarian Cancer; Hereditary breast and/or ovarian cancer syndrome; Hereditary breast and ovarian cancer syndrome (HBOC). Identifiers: Orphanet 145, MedGen C0677776, MeSH D061325, MONDO:0003582. Disease mechanism: loss of function.

Allele frequency attached by ClinVar (database versions not stated): gnomAD exomes below 0.00001.
gnomAD v4.1: 1 of 1,604,010 alleles (0.000062%); highest among the groups gnomAD compares: Non-Finnish European, 0.000085%; no homozygotes.

Submissions (5):

Labcorp Genetics (formerly Invitae), Labcorp
Classification: Likely benign for Hereditary breast ovarian cancer syndrome. Last evaluated: 2025-05-18. Review status: criteria provided, single submitter. Criteria: Invitae Variant Classification Sherloc (09022015). Collection method: clinical testing. Allele origin: germline.

Color Diagnostics, LLC DBA Color Health
Classification: Likely benign for Hereditary cancer-predisposing syndrome. Last evaluated: 2025-03-10. Review status: criteria provided, single submitter. Criteria: ACMG Guidelines, 2015. Collection method: clinical testing. Allele origin: germline.

Ambry Genetics
Classification: Uncertain significance for Hereditary cancer-predisposing syndrome. Last evaluated: 2023-12-27. Review status: criteria provided, single submitter. Criteria: Ambry Variant Classification Scheme 2023. Collection method: clinical testing. Allele origin: germline.
Comment: The c.9649-5A>G intronic variant results from an A to G substitution 5 nucleotides upstream from coding exon 26 in the BRCA2 gene. This nucleotide position is not well conserved in available vertebrate species. In silico splice site analysis predicts that this alteration will not have any significant effect on splicing. Since supporting evidence is limited at this time, the clinical significance of this alteration remains unclear.

Quest Diagnostics Nichols Institute San Juan Capistrano
Classification: Likely benign. Last evaluated: 2020-10-26. Review status: criteria provided, single submitter. Criteria: Quest Diagnostics criteria. Collection method: clinical testing. Allele origin: unknown.

GeneDx
Classification: Likely benign. Last evaluated: 2016-04-25. Review status: criteria provided, single submitter. Criteria: GeneDx Variant Classification (06012015). Collection method: clinical testing. Allele origin: germline. Affected: yes.
Comment: This variant is considered likely benign or benign based on one or more of the following criteria: it is a conservative change, it occurs at a poorly conserved position in the protein, it is predicted to be benign by multiple in silico algorithms, and/or has population frequency not consistent with disease.